The following is an entry in ClinVar:

NM_001042492.3(NF1):c.5553T>C (p.Pro1851=)

Gene: NF1 (neurofibromin 1; plus strand). Cytogenetic location: 17q11.2.
Variant type: single nucleotide variant.
Coding change: c.5553T>C on transcript NM_001042492.3 (MANE Select); coding-DNA position 5553, T replaced by C.
Protein change: p.Pro1851=; no amino-acid change (proline 1851 retained).
Molecular consequence: synonymous variant.
Genome position (GRCh38, 1-based): chr17:31,327,783, T>C. VCF-style: chr17-31327783-T-C. GRCh37 (hg19) VCF-style: chr17-29654801-T-C.
Other names: c.5490T>C, p.Pro1830= (NM_000267.4).
Identifiers: ClinVar variation 484158 (VCV000484158.15), dbSNP rs974310759, ClinGen allele CA289378927.

ClinVar aggregate classification (germline): Benign/Likely benign. Review status: criteria provided, multiple submitters, no conflicts (2 of 4 stars). 5 submissions from 5 submitters: Benign (1); Likely benign (4). Last evaluated 2026-05-20.

Conditions:
Hereditary cancer-predisposing syndrome. Also called: Hereditary neoplastic syndrome; Neoplastic Syndromes, Hereditary; Hereditary Cancer Syndrome; Tumor predisposition. Identifiers: Orphanet 140162, MedGen C0027672, MeSH D009386, MONDO:0015356.
Cardiovascular phenotype. Identifiers: MedGen CN230736.
Neurofibromatosis, type 1 (NF1). Also called: Peripheral type neurofibromatosis; Neurofibromatosis, type I; VON RECKLINGHAUSEN DISEASE; NEUROFIBROMATOSIS, TYPE I, SOMATIC. Identifiers: Orphanet 636, MedGen C0027831, MONDO:0018975, OMIM 162200. Disease mechanism: loss of function.

Allele frequency attached by ClinVar (database versions not stated): gnomAD exomes below 0.00001; TOPMed 0.00001; gnomAD 0.00003.
gnomAD v4.1: 5 of 1,614,196 alleles (0.00031%); highest among the groups gnomAD compares: Admixed American, 0.0017%; no homozygotes.

Submissions (5):

Myriad Genetics, Inc.
Classification: Benign for Neurofibromatosis, type 1. Last evaluated: 2026-05-20. Review status: criteria provided, single submitter. Criteria: Myriad Autosomal Dominant, Autosomal Recessive and X-Linked Classification Criteria (2023). Collection method: clinical testing. Allele origin: unknown.
Comment: This variant is considered benign. This variant is a silent/synonymous amino acid change and it is not expected to impact splicing.

Labcorp Genetics (formerly Invitae), Labcorp
Classification: Likely benign for Neurofibromatosis, type 1. Last evaluated: 2025-12-22. Review status: criteria provided, single submitter. Criteria: Invitae Variant Classification Sherloc (09022015). Collection method: clinical testing. Allele origin: germline.

Genome-Nilou Lab
Classification: Likely benign for Neurofibromatosis, type 1. Last evaluated: 2022-03-15. Review status: criteria provided, single submitter. Criteria: ACMG Guidelines, 2015. Collection method: clinical testing. Allele origin: germline. Affected: no.

Sema4
Classification: Likely benign for Hereditary cancer-predisposing syndrome. Last evaluated: 2021-07-13. Review status: criteria provided, single submitter. Criteria: Sema4 Curation Guidelines. Collection method: curation. Allele origin: germline.

Ambry Genetics
Classification: Likely benign for Cardiovascular phenotype; Hereditary cancer-predisposing syndrome. Last evaluated: 2017-09-21. Review status: criteria provided, single submitter. Criteria: Ambry Variant Classification Scheme 2023. Collection method: clinical testing. Allele origin: germline.